The following is an entry in ClinVar:

NM_000059.4(BRCA2):c.4907A>G (p.Lys1636Arg)

Gene: BRCA2 (BRCA2 DNA repair associated; plus strand). Cytogenetic location: 13q13.1.
Variant type: single nucleotide variant.
Coding change: c.4907A>G on transcript NM_000059.4 (MANE Select); coding-DNA position 4907, A replaced by G.
Protein change: p.Lys1636Arg; replaces lysine 1636 with arginine.
Molecular consequence: missense variant.
Genome position (GRCh38, 1-based): chr13:32,339,262, A>G. VCF-style: chr13-32339262-A-G. GRCh37 (hg19) VCF-style: chr13-32913399-A-G.
Other names: short protein forms K1636R.
Identifiers: ClinVar variation 645675 (VCV000645675.13), dbSNP rs1593903754, ClinGen allele CA387783577.

ClinVar aggregate classification (germline): Conflicting classifications of pathogenicity. Review status: criteria provided, conflicting classifications (1 of 4 stars). 3 submissions from 3 submitters: Uncertain significance (2); Likely benign (1). Last evaluated 2025-10-22.

Conditions:
Hereditary cancer-predisposing syndrome. Also called: Hereditary Cancer Syndrome; Tumor predisposition; Hereditary neoplastic syndrome; Neoplastic Syndromes, Hereditary. Identifiers: Orphanet 140162, MedGen C0027672, MeSH D009386, MONDO:0015356.
Hereditary breast ovarian cancer syndrome. Also called: Hereditary breast and ovarian cancer; Hereditary breast and ovarian cancer syndrome; BRCA1- and BRCA2-Associated Hereditary Breast and Ovarian Cancer; Hereditary breast and ovarian cancer syndrome (HBOC); Breast and ovarian cancer; Hereditary breast and/or ovarian cancer syndrome. Identifiers: Orphanet 145, MedGen C0677776, MeSH D061325, MONDO:0003582. Disease mechanism: loss of function.

Submissions (3):

Ambry Genetics
Classification: Uncertain significance for Hereditary cancer-predisposing syndrome. Last evaluated: 2025-10-22. Review status: criteria provided, single submitter. Criteria: Ambry Variant Classification Scheme 2023. Collection method: clinical testing. Allele origin: germline.
Comment: The p.K1636R variant (also known as c.4907A>G), located in coding exon 10 of the BRCA2 gene, results from an A to G substitution at nucleotide position 4907. The lysine at codon 1636 is replaced by arginine, an amino acid with highly similar properties. This amino acid position is conserved. In addition, this alteration is predicted to be tolerated by in silico analysis. Based on the available evidence, the clinical significance of this variant remains unclear.

University of Washington Department of Laboratory Medicine, University of Washington
Classification: Likely benign for Hereditary cancer-predisposing syndrome. Last evaluated: 2023-03-23. Review status: criteria provided, single submitter. Criteria: Dines et al. (Genet Med. 2020). Collection method: curation. Allele origin: germline.
Comment: Missense variant in a coldspot region where missense variants are very unlikely to be pathogenic (PMID:31911673).

BRCA2 exon 11 coldspot. Reclassification based on statistical prior probability.

Labcorp Genetics (formerly Invitae), Labcorp
Classification: Uncertain significance for Hereditary breast ovarian cancer syndrome. Last evaluated: 2019-11-21. Review status: criteria provided, single submitter. Criteria: Invitae Variant Classification Sherloc (09022015). Collection method: clinical testing. Allele origin: germline.
Comment: In summary, the available evidence is currently insufficient to determine the role of this variant in disease. Therefore, it has been classified as a Variant of Uncertain Significance. Algorithms developed to predict the effect of missense changes on protein structure and function (SIFT, PolyPhen-2, Align-GVGD) all suggest that this variant is likely to be tolerated, but these predictions have not been confirmed by published functional studies and their clinical significance is uncertain. This variant has not been reported in the literature in individuals with BRCA2-related conditions. This variant is not present in population databases (ExAC no frequency). This sequence change replaces lysine with arginine at codon 1636 of the BRCA2 protein (p.Lys1636Arg). The lysine residue is weakly conserved and there is a small physicochemical difference between lysine and arginine.